The following is an entry in ClinVar:

ClinVar aggregate classification (germline): Benign (0 of 4 stars; one submission).

Conditions:
HLA-B-related disorder. Also called: HLA-B-related condition.

Allele frequency attached by ClinVar (database versions not stated): gnomAD exomes 0.65459; ExAC 0.70535.

Submission:

PreventionGenetics, part of Exact Sciences
Classification: Benign for HLA-B-related condition. Last evaluated: 2020-12-17. Review status: no assertion criteria provided. Collection method: clinical testing. Allele origin: germline.
Comment: This variant is classified as benign based on ACMG/AMP sequence variant interpretation guidelines (Richards et al. 2015 PMID: 25741868, with internal and published modifications).

NM_005514.8(HLA-B):c.279_280insAA (p.Gln94fs)

Gene: HLA-B (major histocompatibility complex, class I, B; minus strand). Cytogenetic location: 6p21.33.
Variant type: Insertion.
Coding change: c.279_280insAA on transcript NM_005514.8 (MANE Select); coding-DNA positions 279 to 280, AA inserted.
Protein change: p.Gln94fs; shifts the reading frame from glutamine 94.
Molecular consequence: frameshift variant.
Genome position: GRCh38 VCF-style: chr6-31356751-G-GTT. GRCh37 (hg19) VCF-style: chr6-31324528-G-GTT.
Other names: short protein forms Q94fs.
Identifiers: ClinVar variation 3060726 (VCV003060726.2), dbSNP rs749557905, ClinGen allele CA3711769.